The following is an entry in ClinVar:

NM_000545.8(HNF1A):c.734G>T (p.Gly245Val)

Gene: HNF1A (HNF1 homeobox A; plus strand). Cytogenetic location: 12q24.31.
Variant type: single nucleotide variant.
Coding change: c.734G>T on transcript NM_000545.8 (MANE Select); coding-DNA position 734, G replaced by T.
Protein change: p.Gly245Val; replaces glycine 245 with valine.
Molecular consequence: missense variant.
Genome position (GRCh38, 1-based): chr12:120,994,184, G>T. VCF-style: chr12-120994184-G-T. GRCh37 (hg19) VCF-style: chr12-121431987-G-T.
Other names: NM_000545.8(HNF1A):c.734G>T; c.734G>T, p.Gly245Val (NM_001306179.2); short protein forms G245V.
Identifiers: ClinVar variation 36829 (VCV000036829.11), dbSNP rs193922603, ClinGen allele CA214324.

ClinVar aggregate classification (germline): Uncertain significance. Review status: reviewed by expert panel (3 of 4 stars). 4 submissions from 4 submitters: Uncertain significance (1). 3 of the submissions do not count toward it. Last evaluated 2025-09-26.

Conditions:
Monogenic diabetes. Identifiers: Orphanet 183625, MedGen C3888631, MONDO:0015967.

Submissions (4):

ClinGen Monogenic Diabetes Variant Curation Expert Panel
Classification: Uncertain significance for Monogenic diabetes. Last evaluated: 2025-09-26. Review status: reviewed by expert panel. Criteria: ClinGen Diabetes ACMG Specifications HNF1A V3.0.0. Collection method: curation. Allele origin: germline. Inheritance: Autosomal dominant inheritance.
Comment: The c.734G>T variant in the HNF1 homeobox A gene, HNF1A, causes an amino acid change of glycine to valine at codon 245 (p.Gly245Val) of NM_000545.8. This variant is located within a conserved region of the DNA binding domain (codons 107-174 and 201-280) of HNF1A, which is defined as critical for the protein’s function by the ClinGen MDEP (PM1_Supporting). This variant is also absent from gnomAD v2.1.1 and v4.1.0 (PM2_Supporting). This variant is predicted to be deleterious by computational evidence, with a REVEL score of 0.956, which is greater than the MDEP VCEP threshold of 0.70 (PP3). Lastly, this variant was identified in an individual with a clinical history highly specific for HNF1A-MODY (MODY probability calculator result >50%, negative antibodies, and low hsCRP; HNF4A not tested, but low hsCRP is specific to HNF1A vs. HNF4A) (PP4_Moderate; PMID: 30181854). Another missense variant, c.733G>A (p.Gly245Arg) has been classified as a VUS by the ClinGen MDEP; therefore, PM5 will not be applied. In summary, c.734G>T meets the criteria to be classified as a variant of uncertain significance for monogenic diabetes. ACMG/AMP criteria applied, as specified by the ClinGen MDEP (specification version 3.0.0, approved 6/30/2025): PM1_Supporting, PM2_Supporting, PP3, PP4_Moderate.

Women's Health and Genetics/Laboratory Corporation of America, LabCorp
Classification: Uncertain significance. Last evaluated: 2025-10-22. Review status: criteria provided, single submitter. Criteria: LabCorp Variant Classification Summary - May 2015. Collection method: clinical testing. Allele origin: germline. Not counted in ClinVar's aggregate classification.
Comment: Variant summary: HNF1A c.734G>T (p.Gly245Val) results in a non-conservative amino acid change in the encoded protein sequence. Algorithms developed to predict the effect of missense changes on protein structure and function all suggest that this variant is likely to be disruptive. The variant was absent in 248910 control chromosomes. The available data on variant occurrences in the general population are insufficient to allow any conclusion about variant significance. c.734G>T has been observed in individual(s) suspected with Maturity Onset Diabetes Of The Young 3 (Chandran_2021, Mirshahi_2022). These data do not allow any conclusion about variant significance. To our knowledge, no experimental evidence demonstrating an impact on protein function has been reported. The following publications have been ascertained in the context of this evaluation (PMID: 30181854, 36257325). ClinVar contains an entry for this variant (Variation ID: 36829). Based on the evidence outlined above, the variant was classified as uncertain significance.

Labcorp Genetics (formerly Invitae), Labcorp
Classification: Uncertain significance. Last evaluated: 2024-06-23. Review status: criteria provided, single submitter. Criteria: Invitae Variant Classification Sherloc (09022015). Collection method: clinical testing. Allele origin: germline. Not counted in ClinVar's aggregate classification.
Comment: This sequence change replaces glycine, which is neutral and non-polar, with valine, which is neutral and non-polar, at codon 245 of the HNF1A protein (p.Gly245Val). This variant is not present in population databases (gnomAD no frequency). This missense change has been observed in individuals with clinical features of maturity-onset diabetes of the young (PMID: 30181854, 36257325; Invitae). ClinVar contains an entry for this variant (Variation ID: 36829). Advanced modeling of protein sequence and biophysical properties (such as structural, functional, and spatial information, amino acid conservation, physicochemical variation, residue mobility, and thermodynamic stability) performed at Invitae indicates that this missense variant is not expected to disrupt HNF1A protein function with a negative predictive value of 80%. This variant disrupts the p.Gly245 amino acid residue in HNF1A. Other variant(s) that disrupt this residue have been observed in individuals with HNF1A-related conditions (PMID: 19336507), which suggests that this may be a clinically significant amino acid residue. In summary, the available evidence is currently insufficient to determine the role of this variant in disease. Therefore, it has been classified as a Variant of Uncertain Significance.

Athena Diagnostics
Classification: Uncertain significance. Last evaluated: 2019-03-22. Review status: criteria provided, single submitter. Criteria: Athena Diagnostics Criteria. Collection method: clinical testing. Allele origin: germline. Not counted in ClinVar's aggregate classification.

Literature cited by the submitters: PubMed 30181854 (cited by 4 submitters); PubMed 36257325 (cited by Women's Health and Genetics/Laboratory Corporation of America, LabCorp and Labcorp Genetics (formerly Invitae), Labcorp); PubMed 19336507 (cited by Labcorp Genetics (formerly Invitae), Labcorp); PubMed 29179779 (cited by Athena Diagnostics); PubMed 28410371 (cited by Athena Diagnostics).